The following is an entry in ClinVar:

NM_006431.3(CCT2):c.436G>A (p.Val146Ile)

Gene: CCT2 (chaperonin containing TCP1 subunit 2; plus strand). Cytogenetic location: 12q15.
Variant type: single nucleotide variant.
Coding change: c.436G>A on transcript NM_006431.3 (MANE Select); coding-DNA position 436, G replaced by A.
Protein change: p.Val146Ile; replaces valine 146 with isoleucine.
Molecular consequence: missense variant.
Genome position (GRCh38, 1-based): chr12:69,588,252, G>A. VCF-style: chr12-69588252-G-A. GRCh37 (hg19) VCF-style: chr12-69982032-G-A.
Other names: c.295G>A, p.Val99Ile (NM_001198842.2); short protein forms V146I, V99I.
Identifiers: ClinVar variation 2992020 (VCV002992020.4), dbSNP rs1218027325, ClinGen allele CA385725238.

ClinVar aggregate classification (germline): Uncertain significance. Review status: criteria provided, multiple submitters, no conflicts (2 of 4 stars). 2 submissions from 2 submitters: Uncertain significance (2). Last evaluated 2025-09-22.

Allele frequency attached by ClinVar (database versions not stated): gnomAD exomes below 0.00001.
gnomAD v4.1: 1 of 1,611,750 alleles (0.000062%); highest among the groups gnomAD compares: Middle Eastern, 0.017%; no homozygotes.

Submissions (2):

Labcorp Genetics (formerly Invitae), Labcorp
Classification: Uncertain significance. Last evaluated: 2025-09-22. Review status: criteria provided, single submitter. Criteria: Invitae Variant Classification Sherloc (09022015). Collection method: clinical testing. Allele origin: germline.
Comment: This sequence change replaces valine, which is neutral and non-polar, with isoleucine, which is neutral and non-polar, at codon 146 of the CCT2 protein (p.Val146Ile). This variant is not present in population databases (gnomAD no frequency). This variant has not been reported in the literature in individuals affected with CCT2-related conditions. ClinVar contains an entry for this variant (Variation ID: 2992020). An algorithm developed to predict the effect of missense changes on protein structure and function (PolyPhen-2) suggests that this variant is likely to be tolerated. In summary, the available evidence is currently insufficient to determine the role of this variant in disease. Therefore, it has been classified as a Variant of Uncertain Significance.

Breakthrough Genomics
Classification: Uncertain significance. Review status: criteria provided, single submitter. Criteria: ACMG Guidelines, 2015. Collection method: not provided. Allele origin: germline. Inheritance: Unknown mechanism. Affected: yes.